The following is an entry in ClinVar:

NM_001277115.2(DNAH11):c.1888T>C (p.Phe630Leu)

Gene: DNAH11 (dynein axonemal heavy chain 11; plus strand). Cytogenetic location: 7p15.3.
Variant type: single nucleotide variant.
Coding change: c.1888T>C on transcript NM_001277115.2 (MANE Select); coding-DNA position 1888, T replaced by C.
Protein change: p.Phe630Leu; replaces phenylalanine 630 with leucine.
Molecular consequence: missense variant.
Genome position (GRCh38, 1-based): chr7:21,588,551, T>C. VCF-style: chr7-21588551-T-C. GRCh37 (hg19) VCF-style: chr7-21628169-T-C.
Other names: short protein forms F630L.
Identifiers: ClinVar variation 654277 (VCV000654277.1), dbSNP rs1583505808, ClinGen allele CA366939205.
Genomic context (GRCh38, chr7:21,588,551, plus strand): 5'-CACCAAAATATCAACTTGCAGATTGAATGTGGTCATGTAGTTCTTAACAAGAACATGCCA[T>C]TTACCTCAGGAAATATGAAATGGGCCCAGCAGGTTCTCCAACGACTTCAAATGTTTTGGT-3'
Protein context (NP_001264044.1, residues 620-640): GHVVLNKNMP[Phe630Leu]TSGNMKWAQQ

ClinVar aggregate classification (germline): Uncertain significance (1 of 4 stars; one submission).

Conditions:
Primary ciliary dyskinesia. Also called: Ciliary dyskinesia. Identifiers: Orphanet 244, MedGen C0008780, MONDO:0016575, HP:0012265.

Allele frequency attached by ClinVar (database versions not stated): gnomAD exomes below 0.00001.
gnomAD v4.1: 1 of 1,613,714 alleles (0.000062%); highest among the groups gnomAD compares: Non-Finnish European, 0.000085%; no homozygotes.

Submission:

Labcorp Genetics (formerly Invitae), Labcorp
Classification: Uncertain significance for Primary ciliary dyskinesia. Last evaluated: 2018-10-23. Review status: criteria provided, single submitter. Criteria: Invitae Variant Classification Sherloc (09022015). Collection method: clinical testing. Allele origin: germline.
Comment: This sequence change replaces phenylalanine with leucine at codon 630 of the DNAH11 protein (p.Phe630Leu). The phenylalanine residue is moderately conserved and there is a small physicochemical difference between phenylalanine and leucine. This variant is not present in population databases (ExAC no frequency). This variant has not been reported in the literature in individuals with DNAH11-related disease. Algorithms developed to predict the effect of missense changes on protein structure and function (SIFT, PolyPhen-2, Align-GVGD) all suggest that this variant is likely to be tolerated, but these predictions have not been confirmed by published functional studies and their clinical significance is uncertain. In summary, the available evidence is currently insufficient to determine the role of this variant in disease. Therefore, it has been classified as a Variant of Uncertain Significance.